The following is an entry in ClinVar:

NM_003001.5(SDHC):c.444A>C (p.Leu148=)

Gene: SDHC (succinate dehydrogenase complex subunit C; plus strand). Cytogenetic location: 1q23.3.
Variant type: single nucleotide variant.
Coding change: c.444A>C on transcript NM_003001.5 (MANE Select); coding-DNA position 444, A replaced by C.
Protein change: p.Leu148=; no amino-acid change (leucine 148 retained).
Molecular consequence: synonymous variant. On other transcripts: missense variant (3), non-coding transcript variant (1).
Genome position (GRCh38, 1-based): chr1:161,362,367, A>C. VCF-style: chr1-161362367-A-C. GRCh37 (hg19) VCF-style: chr1-161332157-A-C.
Other names: c.280A>C, p.Ile94Leu (NM_001035511.3); c.342A>C, p.Leu114= (NM_001035512.3); c.285A>C, p.Leu95= (NM_001035513.3); c.178A>C, p.Ile60Leu (NM_001278172.3); c.564A>C, p.Leu188= (NM_001407115.1); c.387A>C, p.Leu129= (NM_001407116.1); c.381A>C, p.Leu127= (NM_001407117.1); c.336A>C, p.Leu112= (NM_001407118.1); and 2 more; short protein forms I60L, I94L, I75L.
Identifiers: ClinVar variation 707189 (VCV000707189.18), dbSNP rs377230417, ClinGen allele CA047441.

ClinVar aggregate classification (germline): Benign/Likely benign. Review status: criteria provided, multiple submitters, no conflicts (2 of 4 stars). 6 submissions from 6 submitters: Benign (1); Likely benign (5). Last evaluated 2026-01-27.

Conditions:
Gastrointestinal stromal tumor. Also called: Gastrointestinal stromal tumor, somatic; Gastrointestinal stroma tumor. Identifiers: Orphanet 44890, MedGen C0238198, MeSH D046152, MONDO:0011719, OMIM 606764, HP:0100723.
Pheochromocytoma/paraganglioma syndrome 3. Also called: SDHC-Related Hereditary Paraganglioma-Pheochromocytoma Syndrome (Paragangliomas 3); SDHC-Related Hereditary Paraganglioma-Pheochromocytoma Syndrome; GLOMUS TUMORS, FAMILIAL, 3; Paragangliomas 3. Identifiers: Orphanet 29072, MedGen C1854336, MONDO:0011544, OMIM 605373.
Hereditary cancer-predisposing syndrome. Also called: Neoplastic Syndromes, Hereditary; Hereditary Cancer Syndrome; Hereditary neoplastic syndrome; Tumor predisposition. Identifiers: Orphanet 140162, MedGen C0027672, MeSH D009386, MONDO:0015356.
Hereditary pheochromocytoma and paraganglioma. Also called: Hereditary pheochromocytoma-paraganglioma; Hereditary Paraganglioma-Pheochromocytoma Syndromes; Hereditary paragangliomas and pheochromocytomas. Identifiers: Orphanet 29072, MedGen C4274332, MONDO:0017366.

Allele frequency attached by ClinVar (database versions not stated): gnomAD exomes 0.00001; ExAC 0.00002; gnomAD 0.00003 and 0.00004; TOPMed 0.00007; ESP Exome Variant Server 0.00015.
gnomAD v4.1: 8 of 1,612,444 alleles (0.0005%); highest among the groups gnomAD compares: African/African-American, 0.0094%; no homozygotes.

Submissions (6):

Labcorp Genetics (formerly Invitae), Labcorp
Classification: Likely benign for Pheochromocytoma/paraganglioma syndrome 3; Gastrointestinal stromal tumor. Last evaluated: 2026-01-27. Review status: criteria provided, single submitter. Criteria: Invitae Variant Classification Sherloc (09022015). Collection method: clinical testing. Allele origin: germline.

ARUP Laboratories, Molecular Genetics and Genomics, ARUP Laboratories
Classification: Likely benign. Last evaluated: 2025-05-19. Review status: criteria provided, single submitter. Criteria: ARUP Molecular Germline Variant Investigation Process 2024. Collection method: clinical testing. Allele origin: germline.

Myriad Genetics, Inc.
Classification: Benign for Pheochromocytoma/paraganglioma syndrome 3. Last evaluated: 2025-03-17. Review status: criteria provided, single submitter. Criteria: Myriad Autosomal Dominant, Autosomal Recessive and X-Linked Classification Criteria (2023). Collection method: clinical testing. Allele origin: unknown.
Comment: This variant is considered benign. This variant is a silent/synonymous amino acid change and it is not expected to impact splicing.

All of Us Research Program, National Institutes of Health
Classification: Likely benign for Hereditary pheochromocytoma and paraganglioma. Last evaluated: 2023-11-20. Review status: criteria provided, single submitter. Criteria: ACMG Guidelines, 2015. Collection method: clinical testing. Allele origin: germline. Inheritance: Autosomal dominant inheritance. Observed: 3 variant alleles, 3 heterozygotes.
Comment: This study involves interpretation of variants in research participants for the purpose of population health screening. Participant phenotype was not available at the time of variant classification. Additional details can be found in publication PMID: 35346344, PMCID: PMC8962531

Ambry Genetics
Classification: Likely benign for Hereditary cancer-predisposing syndrome. Last evaluated: 2020-02-28. Review status: criteria provided, single submitter. Criteria: Ambry Variant Classification Scheme 2023. Collection method: clinical testing. Allele origin: germline.

Quest Diagnostics Nichols Institute San Juan Capistrano
Classification: Likely benign. Last evaluated: 2019-07-24. Review status: criteria provided, single submitter. Criteria: Quest Diagnostics criteria. Collection method: clinical testing. Allele origin: germline.